The following is an entry in ClinVar:

NM_052867.4(NALCN):c.2101A>G (p.Lys701Glu)

Gene: NALCN (sodium leak channel, non-selective; minus strand). Cytogenetic location: 13q33.1.
Variant type: single nucleotide variant.
Coding change: c.2101A>G on transcript NM_052867.4 (MANE Select); coding-DNA position 2101, A replaced by G.
Protein change: p.Lys701Glu; replaces lysine 701 with glutamic acid.
Molecular consequence: missense variant.
Genome position (GRCh38, 1-based): chr13:101,143,097, T>C on the plus strand (A>G on the coding strand, the complement: NALCN is on the minus strand). VCF-style: chr13-101143097-T-C. GRCh37 (hg19) VCF-style: chr13-101795448-T-C.
Other names: c.2101A>G, p.Lys701Glu (NM_001350748.2, NM_001350749.2); c.2014A>G, p.Lys672Glu (NM_001350750.2, NM_001350751.2); short protein forms K672E, K701E.
Identifiers: ClinVar variation 1329660 (VCV001329660.3), dbSNP rs1334939713, ClinGen allele CA388671338.

ClinVar aggregate classification (germline): Uncertain significance. Review status: criteria provided, multiple submitters, no conflicts (2 of 4 stars). 2 submissions from 2 submitters: Uncertain significance (2). Last evaluated 2025-10-07.

Allele frequency attached by ClinVar (database versions not stated): gnomAD exomes below 0.00001.

Submissions (2):

Labcorp Genetics (formerly Invitae), Labcorp
Classification: Uncertain significance. Last evaluated: 2025-10-07. Review status: criteria provided, single submitter. Criteria: Invitae Variant Classification Sherloc (09022015). Collection method: clinical testing. Allele origin: germline.
Comment: This sequence change replaces lysine, which is basic and polar, with glutamic acid, which is acidic and polar, at codon 701 of the NALCN protein (p.Lys701Glu). This variant is present in population databases (no rsID available, gnomAD 0.003%). This variant has not been reported in the literature in individuals affected with NALCN-related conditions. ClinVar contains an entry for this variant (Variation ID: 1329660). Invitae Evidence Modeling of protein sequence and biophysical properties (such as structural, functional, and spatial information, amino acid conservation, physicochemical variation, residue mobility, and thermodynamic stability) indicates that this missense variant is not expected to disrupt NALCN protein function with a negative predictive value of 80%. In summary, the available evidence is currently insufficient to determine the role of this variant in disease. Therefore, it has been classified as a Variant of Uncertain Significance.

GeneDx
Classification: Uncertain significance. Last evaluated: 2021-06-21. Review status: criteria provided, single submitter. Criteria: GeneDx Variant Classification Process June 2021. Collection method: clinical testing. Allele origin: germline. Affected: yes.
Comment: Not observed at significant frequency in large population cohorts (Lek et al., 2016); In silico analysis supports that this missense variant does not alter protein structure/function; Has not been previously published as pathogenic or benign to our knowledge; This variant is associated with the following publications: (PMID: 27535533)